The following is an entry in ClinVar:

ClinVar aggregate classification (germline): Uncertain significance. Review status: criteria provided, multiple submitters, no conflicts (2 of 4 stars). 2 submissions from 2 submitters: Uncertain significance (2). Last evaluated 2024-06-11.

Conditions:
Bone mineral density quantitative trait locus 1 (BMND1). Identifiers: MedGen C1866079, OMIM 601884.
Worth disease. Also called: ENDOSTEAL HYPEROSTOSIS, AUTOSOMAL DOMINANT; OSTEOSCLEROSIS, AUTOSOMAL DOMINANT; Autosomal dominant osteosclerosis, Worth type. Identifiers: Orphanet 2790, MedGen C0432273, MONDO:0007764, OMIM 144750.
Exudative vitreoretinopathy 4 (EVR4). Identifiers: Orphanet 891, MedGen C1866176, MONDO:0011151, OMIM 601813.
Polycystic liver disease 4 with or without kidney cysts. Identifiers: MedGen C4693479, MONDO:0044327, OMIM 617875.
Autosomal dominant osteopetrosis 1 (OPTA1). Also called: OSTEOPETROSIS, AUTOSOMAL DOMINANT, TYPE I. Identifiers: Orphanet 2783, MedGen C1843330, MONDO:0011877, OMIM 607634.
Osteoporosis with pseudoglioma (OPPG). Also called: osteoporosis-pseudoglioma syndrome. Identifiers: Orphanet 2788, MedGen C0432252, MONDO:0009820, OMIM 259770.

Allele frequency attached by ClinVar (database versions not stated): gnomAD exomes below 0.00001 and 0.00001; ExAC 0.00001; gnomAD 0.00001; TOPMed 0.00001.
gnomAD v4.1: 6 of 1,610,790 alleles (0.00037%); highest among the groups gnomAD compares: East Asian, 0.0022%; no homozygotes.

Submissions (2):

Labcorp Genetics (formerly Invitae), Labcorp
Classification: Uncertain significance. Last evaluated: 2024-06-11. Review status: criteria provided, single submitter. Criteria: Invitae Variant Classification Sherloc (09022015). Collection method: clinical testing. Allele origin: germline.
Comment: This sequence change replaces arginine, which is basic and polar, with glutamine, which is neutral and polar, at codon 291 of the LRP5 protein (p.Arg291Gln). This variant is present in population databases (rs777003697, gnomAD 0.007%). This variant has not been reported in the literature in individuals affected with LRP5-related conditions. ClinVar contains an entry for this variant (Variation ID: 1021883). Advanced modeling of protein sequence and biophysical properties (such as structural, functional, and spatial information, amino acid conservation, physicochemical variation, residue mobility, and thermodynamic stability) has been performed at Invitae for this missense variant, however the output from this modeling did not meet the statistical confidence thresholds required to predict the impact of this variant on LRP5 protein function. In summary, the available evidence is currently insufficient to determine the role of this variant in disease. Therefore, it has been classified as a Variant of Uncertain Significance.

Fulgent Genetics
Classification: Uncertain significance for Worth disease; Osteoporosis with pseudoglioma; Exudative vitreoretinopathy 4; Bone mineral density quantitative trait locus 1; Autosomal dominant osteopetrosis 1; Polycystic liver disease 4 with or without kidney cysts. Last evaluated: 2024-05-08. Review status: criteria provided, single submitter. Criteria: ACMG Guidelines, 2015. Collection method: clinical testing. Allele origin: germline.

NM_002335.4(LRP5):c.872G>A (p.Arg291Gln)

Gene: LRP5 (LDL receptor related protein 5; plus strand). Cytogenetic location: 11q13.2.
Variant type: single nucleotide variant.
Coding change: c.872G>A on transcript NM_002335.4 (MANE Select); coding-DNA position 872, G replaced by A.
Protein change: p.Arg291Gln; replaces arginine 291 with glutamine.
Molecular consequence: missense variant. On other transcripts: 5 prime UTR variant (1).
Genome position (GRCh38, 1-based): chr11:68,363,932, G>A. VCF-style: chr11-68363932-G-A. GRCh37 (hg19) VCF-style: chr11-68131400-G-A.
Other names: c.-894G>A (NM_001291902.2); short protein forms R291Q.
Identifiers: ClinVar variation 1021883 (VCV001021883.10), dbSNP rs777003697, ClinGen allele CA6149120.
Genomic context (GRCh38, chr11:68,363,932, plus strand): 5'-GGAAGGAGATCCTGAGTGCCCTCTACTCACCCATGGACATCCAGGTGCTGAGCCAGGAGC[G>A]GCAGCCTTTCTGTGAGTGCCGGCTGGGGCGCGGGGGCGAGGGTGCGGGGGCTGGGGGGAG-3'
Protein context (NP_002326.2, residues 281-301): PMDIQVLSQE[Arg291Gln]QPFFHTRCEE